The following is an entry in ClinVar:

NM_000180.4(GUCY2D):c.2878G>C (p.Val960Leu)

Gene: GUCY2D (guanylate cyclase 2D, retinal; plus strand). Cytogenetic location: 17p13.1.
Variant type: single nucleotide variant.
Coding change: c.2878G>C on transcript NM_000180.4 (MANE Select); coding-DNA position 2878, G replaced by C.
Protein change: p.Val960Leu; replaces valine 960 with leucine.
Molecular consequence: missense variant.
Genome position (GRCh38, 1-based): chr17:8,015,436, G>C. VCF-style: chr17-8015436-G-C. GRCh37 (hg19) VCF-style: chr17-7918754-G-C.
Other names: short protein forms V960L.
Identifiers: ClinVar variation 2939785 (VCV002939785.3), dbSNP rs781010216, ClinGen allele CA397954726.

ClinVar aggregate classification (germline): Uncertain significance (1 of 4 stars; one submission).

Conditions:
Leber congenital amaurosis 1 (LCA1). Also called: AMAUROSIS CONGENITA OF LEBER I; RETINAL BLINDNESS, CONGENITAL; Congenital absence of the rods and cones; Leber's congenital tapetoretinal degeneration; Leber's congenital tapetoretinal dysplasia. Identifiers: Orphanet 65, MedGen C2931258, MONDO:0008764, OMIM 204000.
Cone-rod dystrophy 6 (CORD6). Also called: RETINAL CONE DYSTROPHY 2; Cone dystrophy progressive. Identifiers: Orphanet 1872, MedGen C1866293, MONDO:0011143, OMIM 601777.

Submission:

Labcorp Genetics (formerly Invitae), Labcorp
Classification: Uncertain significance for Leber congenital amaurosis 1; Cone-rod dystrophy 6. Last evaluated: 2023-11-21. Review status: criteria provided, single submitter. Criteria: Invitae Variant Classification Sherloc (09022015). Collection method: clinical testing. Allele origin: germline.
Comment: This sequence change replaces valine, which is neutral and non-polar, with leucine, which is neutral and non-polar, at codon 960 of the GUCY2D protein (p.Val960Leu). This variant is not present in population databases (gnomAD no frequency). This variant has not been reported in the literature in individuals affected with GUCY2D-related conditions. Advanced modeling of protein sequence and biophysical properties (such as structural, functional, and spatial information, amino acid conservation, physicochemical variation, residue mobility, and thermodynamic stability) performed at Invitae indicates that this missense variant is not expected to disrupt GUCY2D protein function with a negative predictive value of 80%. In summary, the available evidence is currently insufficient to determine the role of this variant in disease. Therefore, it has been classified as a Variant of Uncertain Significance.